The following is an entry in ClinVar:

NM_002764.4(PRPS1):c.499A>G (p.Ile167Val)

Gene: PRPS1 (phosphoribosyl pyrophosphate synthetase 1; plus strand). Cytogenetic location: Xq22.3.
Variant type: single nucleotide variant.
Coding change: c.499A>G on transcript NM_002764.4 (MANE Select); coding-DNA position 499, A replaced by G.
Protein change: p.Ile167Val; replaces isoleucine 167 with valine.
Molecular consequence: missense variant. On other transcripts: intron variant (1).
Genome position (GRCh38, 1-based): chrX:107,642,459, A>G. VCF-style: chrX-107642459-A-G. GRCh37 (hg19) VCF-style: chrX-106885689-A-G.
Other names: c.-82-2718A>G (NM_001204402.2); short protein forms I167V.
Identifiers: ClinVar variation 2181888 (VCV002181888.4), dbSNP rs759133840, ClinGen allele CA10485642.
Genomic context (GRCh38, chrX:107,642,459, plus strand): 5'-GCAGAGCCGGCTGTCCTAAAGTGGATAAGGGAGAATATCTCTGAGTGGAGGAACTGCACT[A>G]TTGTCTCACCTGATGCTGGTGGAGCTAAGAGGTATGGTTGAAATTAGTATTGTTCCCAAT-3'
Protein context (NP_002755.1, residues 157-177): ENISEWRNCT[Ile167Val]VSPDAGGAKR

ClinVar aggregate classification (germline): Uncertain significance (1 of 4 stars; one submission).

Conditions:
Charcot-Marie-Tooth Neuropathy X. Identifiers: MedGen CN118851.

Allele frequency attached by ClinVar (database versions not stated): gnomAD exomes below 0.00001; TOPMed below 0.00001; ExAC 0.00001; gnomAD 0.00001.
gnomAD v4.1: 2 of 1,209,646 alleles (0.00017%); highest among the groups gnomAD compares: African/African-American, 0.0017%; no homozygotes.

Submission:

Labcorp Genetics (formerly Invitae), Labcorp
Classification: Uncertain significance for Charcot-Marie-Tooth Neuropathy X. Last evaluated: 2024-11-04. Review status: criteria provided, single submitter. Criteria: Invitae Variant Classification Sherloc (09022015). Collection method: clinical testing. Allele origin: germline.
Comment: This sequence change replaces isoleucine, which is neutral and non-polar, with valine, which is neutral and non-polar, at codon 167 of the PRPS1 protein (p.Ile167Val). This variant is present in population databases (rs759133840, gnomAD 0.008%). This variant has not been reported in the literature in individuals affected with PRPS1-related conditions. ClinVar contains an entry for this variant (Variation ID: 2181888). Invitae Evidence Modeling of protein sequence and biophysical properties (such as structural, functional, and spatial information, amino acid conservation, physicochemical variation, residue mobility, and thermodynamic stability) indicates that this missense variant is not expected to disrupt PRPS1 protein function with a negative predictive value of 80%. In summary, the available evidence is currently insufficient to determine the role of this variant in disease. Therefore, it has been classified as a Variant of Uncertain Significance.